The following is an entry in ClinVar:

NM_001261826.3(AP3D1):c.3565G>T (p.Val1189Phe)

Gene: AP3D1 (adaptor related protein complex 3 subunit delta 1; minus strand). Cytogenetic location: 19p13.3.
Variant type: single nucleotide variant.
Coding change: c.3565G>T on transcript NM_001261826.3 (MANE Select); coding-DNA position 3565, G replaced by T.
Protein change: p.Val1189Phe; replaces valine 1189 with phenylalanine.
Molecular consequence: missense variant.
Genome position (GRCh38, 1-based): chr19:2,102,256, C>A on the plus strand (G>T on the coding strand, the complement: AP3D1 is on the minus strand). VCF-style: chr19-2102256-C-A. GRCh37 (hg19) VCF-style: chr19-2102255-C-A.
Other names: c.3529G>T, p.Val1177Phe (NM_001374799.1); c.3379G>T, p.Val1127Phe (NM_003938.8); short protein forms V1177F, V1127F, V1189F.
Identifiers: ClinVar variation 4693520 (VCV004693520.1).

ClinVar aggregate classification (germline): Uncertain significance (1 of 4 stars; one submission).

Submission:

Labcorp Genetics (formerly Invitae), Labcorp
Classification: Uncertain significance. Last evaluated: 2025-08-10. Review status: criteria provided, single submitter. Criteria: Invitae Variant Classification Sherloc (09022015). Collection method: clinical testing. Allele origin: germline.
Comment: This sequence change replaces valine, which is neutral and non-polar, with phenylalanine, which is neutral and non-polar, at codon 1189 of the AP3D1 protein (p.Val1189Phe). This variant is present in population databases (no rsID available, gnomAD 0.006%). This variant has not been reported in the literature in individuals affected with AP3D1-related conditions. An algorithm developed to predict the effect of missense changes on protein structure and function (PolyPhen-2) suggests that this variant is likely to be disruptive. In summary, the available evidence is currently insufficient to determine the role of this variant in disease. Therefore, it has been classified as a Variant of Uncertain Significance.